The following is an entry in ClinVar:

NM_005120.3(MED12):c.118_146delinsTT (p.Asn40_Pro49delinsPhe)

Gene: MED12 (mediator complex subunit 12; plus strand). Cytogenetic location: Xq13.1.
Variant type: Indel.
Coding change: c.118_146delinsTT on transcript NM_005120.3 (MANE Select); coding-DNA positions 118 to 146, AATGTAAAACAAGGTTTCAATAACCAGCC replaced by TT.
Protein change: p.Asn40_Pro49delinsPhe.
Molecular consequence: inframe indel.
Genome position (GRCh38, 1-based): chrX:71,119,391-71,119,419, AATGTAAAACAAGGTTTCAATAACCAGCC replaced by TT. VCF-style: chrX-71119391-AATGTAAAACAAGGTTTCAATAACCAGCC-TT. GRCh37 (hg19) VCF-style: chrX-70339241-AATGTAAAACAAGGTTTCAATAACCAGCC-TT.
Identifiers: ClinVar variation 92208 (VCV000092208.2), dbSNP rs199469685, ClinGen allele CA145545.

ClinVar aggregate classification (germline): not provided (0 of 4 stars; one submission).

Conditions:
Uterine leiomyoma (UL). Also called: Uterine corpus leiomyoma. Identifiers: MedGen C0042133, MONDO:0007886, OMIM 150699, HP:0000131.

Submission:

Rajkovic Lab, University of Pittsburgh
No classification provided. Condition: Leiomyoma, uterine. Review status: no classification provided. Collection method: not provided. Allele origin: somatic.
ClinVar note: Converted during submission from Associated with leiomyomas to not provided.